The following is an entry in ClinVar:

ClinVar aggregate classification (germline): Uncertain significance (1 of 4 stars; one submission).

Conditions:
3-methylglutaconic aciduria, type VIIB (MGCA7B). Also called: CLPB Deficiency; 3-methylglutaconic aciduria, type VII, with cataracts, neurologic involvement and neutropenia; 3-methylglutaconic aciduria with cataracts, neurologic involvement and neutropenia. Identifiers: Orphanet 445038, MedGen C5676893, MONDO:0014561, OMIM 616271.

Submission:

Labcorp Genetics (formerly Invitae), Labcorp
Classification: Uncertain significance for 3-methylglutaconic aciduria, type VIIB. Last evaluated: 2025-11-05. Review status: criteria provided, single submitter. Criteria: Invitae Variant Classification Sherloc (09022015). Collection method: clinical testing. Allele origin: germline.
Comment: This sequence change replaces valine, which is neutral and non-polar, with glutamic acid, which is acidic and polar, at codon 450 of the CLPB protein (p.Val450Glu). This variant is not present in population databases (gnomAD no frequency). This variant has not been reported in the literature in individuals affected with CLPB-related conditions. An algorithm developed to predict the effect of missense changes on protein structure and function (PolyPhen-2) suggests that this variant is likely to be disruptive. In summary, the available evidence is currently insufficient to determine the role of this variant in disease. Therefore, it has been classified as a Variant of Uncertain Significance.

NM_001258392.3(CLPB):c.1259T>A (p.Val420Glu)

Genes: CLPB (ClpB family mitochondrial disaggregase; minus strand), LOC126861258 (MED14-independent group 3 enhancer GRCh37_chr11:72012242-72013441; plus strand). Cytogenetic location: 11q13.4.
Variant type: single nucleotide variant.
Coding change: c.1259T>A on transcript NM_001258392.3 (MANE Select); coding-DNA position 1259, T replaced by A.
Protein change: p.Val420Glu; replaces valine 420 with glutamic acid.
Molecular consequence: missense variant.
Genome position (GRCh38, 1-based): chr11:72,301,873, A>T on the plus strand (T>A on the coding strand, the complement: CLPB is on the minus strand). VCF-style: chr11-72301873-A-T. GRCh37 (hg19) VCF-style: chr11-72012917-A-T.
Other names: c.1172T>A, p.Val391Glu (NM_001258393.3); c.1214T>A, p.Val405Glu (NM_001258394.3); c.1349T>A, p.Val450Glu (NM_030813.6); short protein forms V391E, V405E, V420E, V450E.
Identifiers: ClinVar variation 4730250 (VCV004730250.1).
Genomic context (GRCh38, chr11:72,301,873, plus strand): 5'-AGCTGCAGCATGATGGTGAGCACATCTGGATGGGCCTTGTCTACTTCATCAAAGAGCACC[A>T]CAGCATTGGGGCACTGCTTCAACTTCTTGGTCAGCTGGCCACCCTCCTCATGGCCAACGT-3'
Protein context (NP_001245321.1, residues 410-430): TKKLKQCPNA[Val420Glu]VLFDEVDKAH